The following is an entry in ClinVar:

ClinVar aggregate classification (germline): Pathogenic. Review status: criteria provided, multiple submitters, no conflicts (2 of 4 stars). 2 submissions from 2 submitters: Pathogenic (2). Last evaluated 2025-03-31.

Conditions:
Intellectual developmental disorder, X-linked, syndromic, Billuart type. Also called: X-linked intellectual disability-cerebellar hypoplasia syndrome; MENTAL RETARDATION, X-LINKED 60. Identifiers: Orphanet 137831, MedGen C1845366, MONDO:0010337, OMIM 300486.

Submissions (2):

3billion
Classification: Pathogenic for Intellectual developmental disorder, X-linked, syndromic, Billuart type. Last evaluated: 2025-03-31. Review status: criteria provided, single submitter. Criteria: ACMG Guidelines, 2015. Collection method: clinical testing. Allele origin: germline. Affected: yes.
Comment: The variant is not observed in the gnomAD v4.1.0 dataset. Predicted Consequence/Location: Stop-gained (nonsense): predicted to result in a loss or disruption of normal protein function through nonsense-mediated decay (NMD) or protein truncation. Multiple pathogenic variants are reported downstream of the variant. The variant has been reported to be associated with OPHN1-related disorder (ClinVar ID: VCV000379804). Therefore, this variant is classified as Pathogenic according to the recommendation of ACMG/AMP guideline.

GeneDx
Classification: Pathogenic. Last evaluated: 2015-05-15. Review status: criteria provided, single submitter. Criteria: GeneDx Variant Classification (06012015). Collection method: clinical testing. Allele origin: germline. Affected: yes.
Comment: The Q416X variant in the OPHNI gene has not been reported previously as a pathogenic variant noras a benign polymorphism, to our knowledge. This variant is predicted to cause loss of normal proteinfunction either through protein truncation or nonsense-mediated mRNA decay. The Q416X variant was notobserved in approximately 6,500 individuals of European and African American ancestry in the NHLBI ExomeSequencing Project, indicating it is not a common benign variant in these populations. We interpret Q416X as a pathogenic variant.

NM_002547.3(OPHN1):c.1246C>T (p.Gln416Ter)

Gene: OPHN1 (oligophrenin 1; minus strand). Cytogenetic location: Xq12.
Variant type: single nucleotide variant.
Coding change: c.1246C>T on transcript NM_002547.3 (MANE Select); coding-DNA position 1246, C replaced by T.
Protein change: p.Gln416Ter; replaces glutamine 416 with a stop codon.
Molecular consequence: nonsense.
Genome position (GRCh38, 1-based): chrX:68,192,949, G>A on the plus strand (C>T on the coding strand, the complement: OPHN1 is on the minus strand). VCF-style: chrX-68192949-G-A. GRCh37 (hg19) VCF-style: chrX-67412791-G-A.
Other names: short protein forms Q416*.
Identifiers: ClinVar variation 379804 (VCV000379804.3), dbSNP rs1057520737, ClinGen allele CA16608974.